The following is an entry in ClinVar:

NM_080424.4(SP110):c.2075A>G (p.Glu692Gly)

Gene: SP110 (SP110 nuclear body protein; minus strand). Cytogenetic location: 2q37.1.
Variant type: single nucleotide variant.
Coding change: c.2075A>G on transcript NM_080424.4 (MANE Select); coding-DNA position 2075, A replaced by G.
Protein change: p.Glu692Gly; replaces glutamic acid 692 with glycine.
Molecular consequence: missense variant.
Genome position (GRCh38, 1-based): chr2:230,169,191, T>C on the plus strand (A>G on the coding strand, the complement: SP110 is on the minus strand). VCF-style: chr2-230169191-T-C. GRCh37 (hg19) VCF-style: chr2-231033907-T-C.
Other names: c.2171A>G, p.Glu724Gly (NM_001378442.1); c.2153A>G, p.Glu718Gly (NM_001378443.1); c.2093A>G, p.Glu698Gly (NM_001378444.1); c.2021A>G, p.Glu674Gly (NM_001378445.1); c.1880A>G, p.Glu627Gly (NM_001378446.1); c.2003A>G, p.Glu668Gly (NM_004509.5); short protein forms E668G, E692G, E627G, E718G, E724G, E674G, E698G.
Identifiers: ClinVar variation 2130907 (VCV002130907.3), dbSNP rs1560518407, ClinGen allele CA350896212.

ClinVar aggregate classification (germline): Uncertain significance (1 of 4 stars; one submission).

Conditions:
Hepatic veno-occlusive disease-immunodeficiency syndrome. Also called: Hepatic Veno-Occlusive Disease with Immunodeficiency. Identifiers: Orphanet 79124, MedGen C1856128, MONDO:0009338, OMIM 235550. Disease mechanism: loss of function.

Allele frequency attached by ClinVar (database versions not stated): TOPMed below 0.00001.
gnomAD v4.1: 2 of 1,614,054 alleles (0.00012%); highest among the groups gnomAD compares: Admixed American, 0.0033%; no homozygotes.

Submission:

Labcorp Genetics (formerly Invitae), Labcorp
Classification: Uncertain significance for Hepatic veno-occlusive disease-immunodeficiency syndrome. Last evaluated: 2024-06-17. Review status: criteria provided, single submitter. Criteria: Invitae Variant Classification Sherloc (09022015). Collection method: clinical testing. Allele origin: germline.
Comment: This sequence change replaces glutamic acid, which is acidic and polar, with glycine, which is neutral and non-polar, at codon 668 of the SP110 protein (p.Glu668Gly). This variant is not present in population databases (gnomAD no frequency). This variant has not been reported in the literature in individuals affected with SP110-related conditions. ClinVar contains an entry for this variant (Variation ID: 2130907). An algorithm developed to predict the effect of missense changes on protein structure and function (PolyPhen-2) suggests that this variant is likely to be disruptive. In summary, the available evidence is currently insufficient to determine the role of this variant in disease. Therefore, it has been classified as a Variant of Uncertain Significance.